The following is an entry in ClinVar:

ClinVar aggregate classification (germline): Conflicting classifications of pathogenicity. Review status: criteria provided, conflicting classifications (1 of 4 stars). 2 submissions from 2 submitters: Uncertain significance (1); Likely benign (1). Last evaluated 2026-01-09.

Conditions:
BAP1-related disorder. Also called: BAP1-related condition.
Hereditary cancer-predisposing syndrome. Also called: Tumor predisposition; Neoplastic Syndromes, Hereditary; Hereditary Cancer Syndrome; Hereditary neoplastic syndrome. Identifiers: Orphanet 140162, MedGen C0027672, MeSH D009386, MONDO:0015356.

Submissions (2):

PreventionGenetics, part of Exact Sciences
Classification: Likely benign for BAP1-related condition. Last evaluated: 2026-01-09. Review status: criteria provided, single submitter. Criteria: ACMG Guidelines, 2015. Collection method: clinical testing. Allele origin: germline.
Comment: This variant is classified as likely benign based on ACMG/AMP sequence variant interpretation guidelines (Richards et al. 2015 PMID: 25741868, with internal and published modifications).

Color Diagnostics, LLC DBA Color Health
Classification: Uncertain significance for Hereditary cancer-predisposing syndrome. Last evaluated: 2023-06-20. Review status: criteria provided, single submitter. Criteria: ACMG Guidelines, 2015. Collection method: clinical testing. Allele origin: germline.
Comment: This variant is located in the BAP1 protein. To our knowledge, functional studies have not been reported for this variant. This variant has not been reported in individuals affected with BAP1-related disorders in the literature. This variant has not been identified in the general population by the Genome Aggregation Database (gnomAD). The available evidence is insufficient to determine the role of this variant in disease conclusively. Therefore, this variant is classified as a Variant of Uncertain Significance.

NM_004656.4(BAP1):c.1440A>G (p.Thr480=)

Gene: BAP1 (BRCA1 associated deubiquitinase 1; minus strand). Cytogenetic location: 3p21.1.
Variant type: single nucleotide variant.
Coding change: c.1440A>G on transcript NM_004656.4 (MANE Select); coding-DNA position 1440, A replaced by G.
Protein change: p.Thr480=; no amino-acid change (threonine 480 retained).
Molecular consequence: synonymous variant.
Genome position (GRCh38, 1-based): chr3:52,403,705, T>C on the plus strand (A>G on the coding strand, the complement: BAP1 is on the minus strand). VCF-style: chr3-52403705-T-C. GRCh37 (hg19) VCF-style: chr3-52437721-T-C.
Other names: c.1440A>G (NM_004656.3); c.1386A>G, p.Thr462= (NM_001410772.1).
Identifiers: ClinVar variation 3893890 (VCV003893890.2).